The following is an entry in ClinVar:

NM_000485.3(APRT):c.250G>A (p.Val84Met)

Gene: APRT (adenine phosphoribosyltransferase; minus strand). Cytogenetic location: 16q24.3.
Variant type: single nucleotide variant.
Coding change: c.250G>A on transcript NM_000485.3 (MANE Select); coding-DNA position 250, G replaced by A.
Protein change: p.Val84Met; replaces valine 84 with methionine.
Molecular consequence: missense variant.
Genome position (GRCh38, 1-based): chr16:88,810,494, C>T on the plus strand (G>A on the coding strand, the complement: APRT is on the minus strand). VCF-style: chr16-88810494-C-T. GRCh37 (hg19) VCF-style: chr16-88876902-C-T.
Other names: c.250G>A, p.Val84Met (NM_001030018.2); short protein forms V84M.
Identifiers: ClinVar variation 988048 (VCV000988048.4), dbSNP rs200392753, ClinGen allele CA8234498.
Genomic context (GRCh38, chr16:88,810,494, plus strand): 5'-CCAGGGAATAGGAGGCCCACAGAGTGGGGCCTGGCAGCTTCCCCCGCTTTCGGATGAGCA[C>T]GCAGCCCAGTCCAAGCTCCTGGGCCAGGGAGGGGCCAAAGAGGAAGCCTCGGGAGTCTAG-3'
Protein context (NP_000476.1, residues 74-94): SLAQELGLGC[Val84Met]LIRKRGKLPG

ClinVar aggregate classification (germline): Uncertain significance. Review status: criteria provided, multiple submitters, no conflicts (2 of 4 stars). 3 submissions from 3 submitters: Uncertain significance (2). 1 of the submissions does not count toward it. Last evaluated 2025-12-19.

Conditions:
Adenine phosphoribosyltransferase deficiency (APRTD). Also called: APRT DEFICIENCY; NEPHROLITHIASIS, DHA; Urolithiasis, dha; 2,8-dihydroxyadenine urolithiasis. Identifiers: Orphanet 976, MedGen C0268120, MONDO:0013869, OMIM 614723.

Allele frequency attached by ClinVar (database versions not stated): gnomAD exomes 0.00003; TOPMed 0.00002; 1000 Genomes Project 30x 0.00016; ExAC 0.00004; 1000 Genomes Project 0.00020.
gnomAD v4.1: 31 of 1,612,390 alleles (0.0019%); highest among the groups gnomAD compares: Middle Eastern, 0.033%; no homozygotes.

Submissions (3):

Dasa
Classification: Uncertain significance. Last evaluated: 2025-12-19. Review status: criteria provided, single submitter. Criteria: DASA Assertion Criteria. Collection method: clinical testing. Allele origin: germline.
Comment: NM_000485.3(APRT):c.250G>A (p.Val84Met) is a missense variant that results in the substitution of valine with methionine. Multiple computational predictions support a deleterious effect on the gene or gene product. The variant is present at low frequency in population datasets. Based on the available data, this variant is classified as variant of uncertain significance.

Revvity Omics, Revvity
Classification: Uncertain significance for Adenine phosphoribosyltransferase deficiency. Last evaluated: 2023-04-19. Review status: criteria provided, single submitter. Criteria: ACMG Guidelines, 2015. Collection method: clinical testing. Allele origin: germline.

APRT Deficiency Research Program of the Rare Kidney Stone Consortium, Landspitali, National University Hospital of Iceland
Classification: Pathogenic for Adenine phosphoribosyltransferase deficiency. Last evaluated: 2020-09-01. Review status: no assertion criteria provided. Collection method: literature only. Allele origin: germline. Affected: yes. Not counted in ClinVar's aggregate classification.

Literature cited by the submitters: PubMed 15571218 (cited by APRT Deficiency Research Program of the Rare Kidney Stone Consortium, Landspitali, National University Hospital of Iceland).